The following is an entry in ClinVar:

ClinVar aggregate classification (germline): Uncertain significance. Review status: criteria provided, multiple submitters, no conflicts (2 of 4 stars). 2 submissions from 2 submitters: Uncertain significance (2). Last evaluated 2024-02-19.

gnomAD v4.1: 3 of 1,613,990 alleles (0.00019%); highest among the groups gnomAD compares: Non-Finnish European, 0.00025%; no homozygotes.

Submissions (2):

Women's Health and Genetics/Laboratory Corporation of America, LabCorp
Classification: Uncertain significance. Last evaluated: 2024-02-19. Review status: criteria provided, single submitter. Criteria: LabCorp Variant Classification Summary - May 2015. Collection method: clinical testing. Allele origin: germline.
Comment: Variant summary: KMT2A c.3349G>A (p.Ala1117Thr) results in a non-conservative amino acid change in the encoded protein sequence. Five of five in-silico tools predict a damaging effect of the variant on protein function. The variant was absent in 251422 control chromosomes (gnomAD). The available data on variant occurrences in the general population are insufficient to allow any conclusion about variant significance. To our knowledge, no occurrence of c.3349G>A in individuals affected with Wiedemann-Steiner Syndrome and no experimental evidence demonstrating its impact on protein function have been reported. ClinVar contains an entry for this variant (Variation ID: 1943156). Based on the evidence outlined above, the variant was classified as uncertain significance.

Labcorp Genetics (formerly Invitae), Labcorp
Classification: Uncertain significance. Last evaluated: 2022-01-27. Review status: criteria provided, single submitter. Criteria: Invitae Variant Classification Sherloc (09022015). Collection method: clinical testing. Allele origin: germline.
Comment: This variant is not present in population databases (gnomAD no frequency). In summary, the available evidence is currently insufficient to determine the role of this variant in disease. Therefore, it has been classified as a Variant of Uncertain Significance. Algorithms developed to predict the effect of missense changes on protein structure and function are either unavailable or do not agree on the potential impact of this missense change (SIFT: "Deleterious"; PolyPhen-2: "Probably Damaging"; Align-GVGD: "Class C0"). This variant has not been reported in the literature in individuals affected with KMT2A-related conditions. This sequence change replaces alanine, which is neutral and non-polar, with threonine, which is neutral and polar, at codon 1117 of the KMT2A protein (p.Ala1117Thr).

NM_001197104.2(KMT2A):c.3349G>A (p.Ala1117Thr)

Gene: KMT2A (lysine methyltransferase 2A; plus strand). Cytogenetic location: 11q23.3.
Variant type: single nucleotide variant.
Coding change: c.3349G>A on transcript NM_001197104.2 (MANE Select); coding-DNA position 3349, G replaced by A.
Protein change: p.Ala1117Thr; replaces alanine 1117 with threonine.
Molecular consequence: missense variant.
Genome position (GRCh38, 1-based): chr11:118,477,981, G>A. VCF-style: chr11-118477981-G-A. GRCh37 (hg19) VCF-style: chr11-118348696-G-A.
Other names: c.3448G>A, p.Ala1150Thr (NM_001412597.1); c.3349G>A, p.Ala1117Thr (NM_005933.4); short protein forms A1150T, A1117T.
Identifiers: ClinVar variation 1943156 (VCV001943156.7), dbSNP rs2496840579, ClinGen allele CA382824324.
Genomic context (GRCh38, chr11:118,477,981, plus strand): 5'-TTGAATTCAGTACTCCCTTGGAACTAATGCCACATTTCTTTAACAGACAAGTCATCAATT[G>A]CTGGCTCAGAAGATGCTGAACCTCTTGCTCCACCCATCAAACCAATTAAACCTGTCACTA-3'
Protein context (NP_001184033.1, residues 1107-1127): SMGNDDKSSI[Ala1117Thr]GSEDAEPLAP